The following is an entry in ClinVar:

NM_006767.4(LZTR1):c.1448A>G (p.Gln483Arg)

Gene: LZTR1 (leucine zipper like post translational regulator 1; plus strand). Cytogenetic location: 22q11.21.
Variant type: single nucleotide variant.
Coding change: c.1448A>G on transcript NM_006767.4 (MANE Select); coding-DNA position 1448, A replaced by G.
Protein change: p.Gln483Arg; replaces glutamine 483 with arginine.
Molecular consequence: missense variant.
Genome position (GRCh38, 1-based): chr22:20,994,018, A>G. VCF-style: chr22-20994018-A-G. GRCh37 (hg19) VCF-style: chr22-21348307-A-G.
Other names: short protein forms Q483R.
Identifiers: ClinVar variation 2413297 (VCV002413297.6), dbSNP rs939791025, ClinGen allele CA410775377.
Genomic context (GRCh38, chr22:20,994,018, plus strand): 5'-TCACAGCGCGGAGCCGCTGGCTTCGCAGGAAGATCACGCAGGCGCGGGAGAGGCTGGCCC[A>G]GGTGAGGTGCCTAACCGCCCTGCCCTGACCTGGCAGCCATGCCTGGTGTCCACTGGGGTG-3'
Protein context (NP_006758.2, residues 473-493): KITQARERLA[Gln483Arg]KLEQEAAPVP

ClinVar aggregate classification (germline): Uncertain significance (1 of 4 stars; one submission).

Submission:

Labcorp Genetics (formerly Invitae), Labcorp
Classification: Uncertain significance. Last evaluated: 2022-01-13. Review status: criteria provided, single submitter. Criteria: Invitae Variant Classification Sherloc (09022015). Collection method: clinical testing. Allele origin: germline.
Comment: Algorithms developed to predict the effect of missense changes on protein structure and function are either unavailable or do not agree on the potential impact of this missense change (SIFT: "Deleterious"; PolyPhen-2: "Benign"; Align-GVGD: "Class C35"). Algorithms developed to predict the effect of sequence changes on RNA splicing suggest that this variant may disrupt the consensus splice site. In summary, the available evidence is currently insufficient to determine the role of this variant in disease. Therefore, it has been classified as a Variant of Uncertain Significance. This variant has not been reported in the literature in individuals affected with LZTR1-related conditions. This sequence change replaces glutamine, which is neutral and polar, with arginine, which is basic and polar, at codon 483 of the LZTR1 protein (p.Gln483Arg). This variant is not present in population databases (gnomAD no frequency).